The following is an entry in ClinVar:

NM_007327.4(GRIN1):c.865G>T (p.Ala289Ser)

Gene: GRIN1 (glutamate ionotropic receptor NMDA type subunit 1; plus strand). Cytogenetic location: 9q34.3.
Variant type: single nucleotide variant.
Coding change: c.865G>T on transcript NM_007327.4 (MANE Select); coding-DNA position 865, G replaced by T.
Protein change: p.Ala289Ser; replaces alanine 289 with serine.
Molecular consequence: missense variant.
Genome position (GRCh38, 1-based): chr9:137,156,934, G>T. VCF-style: chr9-137156934-G-T. GRCh37 (hg19) VCF-style: chr9-140051386-G-T.
Other names: c.865G>T, p.Ala289Ser (NM_000832.7, NM_021569.4); c.928G>T, p.Ala310Ser (NM_001185090.2, NM_001185091.2); short protein forms A289S, A310S.
Identifiers: ClinVar variation 2725360 (VCV002725360.3), dbSNP rs1833260568, ClinGen allele CA375715044.

ClinVar aggregate classification (germline): Uncertain significance (1 of 4 stars; one submission).

Conditions:
Neurodevelopmental disorder with or without hyperkinetic movements and seizures, autosomal dominant. Also called: Intellectual disability, autosomal dominant 8. Identifiers: MedGen C3280282, MONDO:0013655, OMIM 614254.

Allele frequency attached by ClinVar (database versions not stated): TOPMed 0.00001.

Submission:

Labcorp Genetics (formerly Invitae), Labcorp
Classification: Uncertain significance for Neurodevelopmental disorder with or without hyperkinetic movements and seizures, autosomal dominant. Last evaluated: 2024-05-31. Review status: criteria provided, single submitter. Criteria: Invitae Variant Classification Sherloc (09022015). Collection method: clinical testing. Allele origin: germline.
Comment: This sequence change replaces alanine, which is neutral and non-polar, with serine, which is neutral and polar, at codon 289 of the GRIN1 protein (p.Ala289Ser). This variant is not present in population databases (gnomAD no frequency). This variant has not been reported in the literature in individuals affected with GRIN1-related conditions. Advanced modeling of protein sequence and biophysical properties (such as structural, functional, and spatial information, amino acid conservation, physicochemical variation, residue mobility, and thermodynamic stability) has been performed at Invitae for this missense variant, however the output from this modeling did not meet the statistical confidence thresholds required to predict the impact of this variant on GRIN1 protein function. In summary, the available evidence is currently insufficient to determine the role of this variant in disease. Therefore, it has been classified as a Variant of Uncertain Significance.